The following is an entry in ClinVar:

NM_007194.4(CHEK2):c.1274C>T (p.Pro425Leu)

Gene: CHEK2 (checkpoint kinase 2; minus strand). Cytogenetic location: 22q12.1.
Variant type: single nucleotide variant.
Coding change: c.1274C>T on transcript NM_007194.4 (MANE Select); coding-DNA position 1274, C replaced by T.
Protein change: p.Pro425Leu; replaces proline 425 with leucine.
Molecular consequence: missense variant.
Genome position (GRCh38, 1-based): chr22:28,695,228, G>A on the plus strand (C>T on the coding strand, the complement: CHEK2 is on the minus strand). VCF-style: chr22-28695228-G-A. GRCh37 (hg19) VCF-style: chr22-29091216-G-A.
Other names: c.1403C>T, p.Pro468Leu (NM_001005735.3); c.611C>T, p.Pro204Leu (NM_001257387.3); c.1073C>T, p.Pro358Leu (NM_001349956.3); c.1187C>T, p.Pro396Leu (NM_145862.3); short protein forms P425L, P396L, P204L, P468L, P358L.
Identifiers: ClinVar variation 483402 (VCV000483402.20), dbSNP rs1555913537, ClinGen allele CA411096292.

ClinVar aggregate classification (germline): Uncertain significance. Review status: criteria provided, multiple submitters, no conflicts (2 of 4 stars). 4 submissions from 4 submitters: Uncertain significance (4). Last evaluated 2025-11-25.

Conditions:
Hereditary cancer-predisposing syndrome. Also called: Neoplastic Syndromes, Hereditary; Tumor predisposition; Hereditary Cancer Syndrome; Hereditary neoplastic syndrome. Identifiers: Orphanet 140162, MedGen C0027672, MeSH D009386, MONDO:0015356.
Familial cancer of breast. Also called: BREAST CANCER, FAMILIAL; Hereditary breast cancer; hereditary breast carcinoma. Identifiers: Orphanet 227535, MedGen C0346153, MONDO:0016419, OMIM 114480. Disease mechanism: loss of function.

Submissions (4):

Labcorp Genetics (formerly Invitae), Labcorp
Classification: Uncertain significance for Familial cancer of breast. Last evaluated: 2025-11-25. Review status: criteria provided, single submitter. Criteria: Invitae Variant Classification Sherloc (09022015). Collection method: clinical testing. Allele origin: germline.
Comment: This sequence change replaces proline, which is neutral and non-polar, with leucine, which is neutral and non-polar, at codon 425 of the CHEK2 protein (p.Pro425Leu). This variant is not present in population databases (gnomAD no frequency). This missense change has been observed in individual(s) with breast cancer (PMID: 31050813). ClinVar contains an entry for this variant (Variation ID: 483402). An algorithm developed to predict the effect of missense changes on protein structure and function (PolyPhen-2) suggests that this variant is likely to be disruptive. Experimental studies have shown that this missense change affects CHEK2 function (PMID: 31050813, 37449874). Studies have shown that this missense change is associated with inconclusive levels of altered splicing (internal data). In summary, the available evidence is currently insufficient to determine the role of this variant in disease. Therefore, it has been classified as a Variant of Uncertain Significance.

Ambry Genetics
Classification: Uncertain significance for Hereditary cancer-predisposing syndrome. Last evaluated: 2025-07-09. Review status: criteria provided, single submitter. Criteria: Ambry Variant Classification Scheme 2023. Collection method: clinical testing. Allele origin: germline.
Comment: The p.P425L variant (also known as c.1274C>T), located in coding exon 11 of the CHEK2 gene, results from a C to T substitution at nucleotide position 1274. The proline at codon 425 is replaced by leucine, an amino acid with similar properties. This variant was functional in an in vitro kinase assay but non-functional in a human cell-based kinase assay also measuring KAP1 phosphorylation (Kleiblova P et al. Int J Cancer, 2019 10;145:1782-1797). This amino acid position is highly conserved in available vertebrate species. In addition, this alteration is predicted to be deleterious by in silico analysis. In silico splice site analysis for this alteration is inconclusive, direct evidence is insufficient at this time (Ambry internal data). Since supporting evidence is limited at this time, the clinical significance of this alteration remains unclear.

GeneDx
Classification: Uncertain significance. Last evaluated: 2024-07-16. Review status: criteria provided, single submitter. Criteria: GeneDx Variant Classification Process June 2021. Collection method: clinical testing. Allele origin: germline. Affected: yes.
Comment: Not observed at significant frequency in large population cohorts (gnomAD); In silico analysis supports that this missense variant has a deleterious effect on protein structure/function; Observed in an individual with a personal and family history of breast cancer (PMID: 31050813); Published functional studies demonstrate discrepant results: reduced KAP1-S473 phosphorylation in vivo but not in vitro, and partially reduced Omnia kinase activity (PMID: 31050813); This variant is associated with the following publications: (PMID: 31409080, 22419737, 19782031, 31050813, 36243179)

Baylor Genetics
Classification: Uncertain significance for Familial cancer of breast. Last evaluated: 2024-03-11. Review status: criteria provided, single submitter. Criteria: ACMG Guidelines, 2015. Collection method: clinical testing. Allele origin: unknown.

Literature cited by the submitters: PubMed 31050813 (cited by Labcorp Genetics (formerly Invitae), Labcorp and Ambry Genetics); PubMed 37449874 (cited by Labcorp Genetics (formerly Invitae), Labcorp); PubMed 31409080 (cited by Ambry Genetics).